The following is an entry in ClinVar:

ClinVar aggregate classification (germline): Uncertain significance (1 of 4 stars; one submission).

Conditions:
Gamma-aminobutyric acid transaminase deficiency (GABATD). Also called: GABA aminotransaminase deficiency; GABA transaminase deficiency; Gamma aminobutyrate transaminase deficiency; 4 alpha aminobutyrate transaminase deficiency. Identifiers: Orphanet 2066, MedGen C0342708, MONDO:0013166, OMIM 613163.

Submission:

Labcorp Genetics (formerly Invitae), Labcorp
Classification: Uncertain significance for Gamma-aminobutyric acid transaminase deficiency. Last evaluated: 2018-11-20. Review status: criteria provided, single submitter. Criteria: Invitae Variant Classification Sherloc (09022015). Collection method: clinical testing. Allele origin: germline.
Comment: In summary, the available evidence is currently insufficient to determine the role of this variant in disease. Therefore, it has been classified as a Variant of Uncertain Significance. Algorithms developed to predict the effect of missense changes on protein structure and function (SIFT, PolyPhen-2, Align-GVGD) all suggest that this variant is likely to be tolerated, but these predictions have not been confirmed by published functional studies and their clinical significance is uncertain. This variant has not been reported in the literature in individuals with ABAT-related disease. This variant is not present in population databases (ExAC no frequency). This sequence change replaces glutamic acid with glutamine at codon 195 of the ABAT protein (p.Glu195Gln). The glutamic acid residue is moderately conserved and there is a small physicochemical difference between glutamic acid and glutamine.

NM_020686.6(ABAT):c.583G>C (p.Glu195Gln)

Gene: ABAT (4-aminobutyrate aminotransferase; plus strand). Cytogenetic location: 16p13.2.
Variant type: single nucleotide variant.
Coding change: c.583G>C on transcript NM_020686.6 (MANE Select); coding-DNA position 583, G replaced by C.
Protein change: p.Glu195Gln; replaces glutamic acid 195 with glutamine.
Molecular consequence: missense variant. On other transcripts: intron variant (4).
Genome position (GRCh38, 1-based): chr16:8,766,250, G>C. VCF-style: chr16-8766250-G-C. GRCh37 (hg19) VCF-style: chr16-8860107-G-C.
Other names: c.583G>C, p.Glu195Gln (NM_000663.5, NM_001127448.2, NM_001386600.1 and 7 more transcripts); c.490G>C, p.Glu164Gln (NM_001386608.1); c.448G>C, p.Glu150Gln (NM_001386610.1, NM_001386611.1); c.337G>C, p.Glu113Gln (NM_001386614.1); c.679G>C, p.Glu227Gln (NM_001386615.1); c.540+1420G>C (NM_001386607.1, NM_001386606.1); c.405+1420G>C (NM_001386612.1, NM_001386613.1); short protein forms E195Q, E113Q, E150Q, E164Q, E227Q.
Identifiers: ClinVar variation 645856 (VCV000645856.9), dbSNP rs1596465746, ClinGen allele CA394688627.